The following is an entry in ClinVar:

ClinVar aggregate classification (germline): Uncertain significance (1 of 4 stars; one submission).

Submission:

Labcorp Genetics (formerly Invitae), Labcorp
Classification: Uncertain significance. Last evaluated: 2024-04-24. Review status: criteria provided, single submitter. Criteria: Invitae Variant Classification Sherloc (09022015). Collection method: clinical testing. Allele origin: germline.
Comment: This sequence change replaces glycine, which is neutral and non-polar, with serine, which is neutral and polar, at codon 344 of the SCN3A protein (p.Gly344Ser). This variant is not present in population databases (gnomAD no frequency). This variant has not been reported in the literature in individuals affected with SCN3A-related conditions. ClinVar contains an entry for this variant (Variation ID: 2108914). An algorithm developed to predict the effect of missense changes on protein structure and function (PolyPhen-2) suggests that this variant is likely to be tolerated. In summary, the available evidence is currently insufficient to determine the role of this variant in disease. Therefore, it has been classified as a Variant of Uncertain Significance.

NM_006922.4(SCN3A):c.1030G>A (p.Gly344Ser)

Gene: SCN3A (sodium voltage-gated channel alpha subunit 3; minus strand). Cytogenetic location: 2q24.3.
Variant type: single nucleotide variant.
Coding change: c.1030G>A on transcript NM_006922.4 (MANE Select); coding-DNA position 1030, G replaced by A.
Protein change: p.Gly344Ser; replaces glycine 344 with serine.
Molecular consequence: missense variant.
Genome position (GRCh38, 1-based): chr2:165,162,309, C>T on the plus strand (G>A on the coding strand, the complement: SCN3A is on the minus strand). VCF-style: chr2-165162309-C-T. GRCh37 (hg19) VCF-style: chr2-166018819-C-T.
Other names: c.1030G>A, p.Gly344Ser (NM_001081676.2, NM_001081677.2); short protein forms G344S.
Identifiers: ClinVar variation 2108914 (VCV002108914.4), dbSNP rs2468472007, ClinGen allele CA349238687.
Genomic context (GRCh38, chr2:165,162,309, plus strand): 5'-ACCTACTTTTTTTTTTCGCAAAGAGTTCTATATCTTAAAAAATATATTATGTTTCTTACC[C>T]TGCATCTGAGCCATTTCCACAGAGTAAAGGGTCTTTTTGCCCATCCAAAACATAAAAGTG-3'
Protein context (NP_008853.3, residues 334-354): PLLCGNGSDA[Gly344Ser]QCPEGYICVK